The following is an entry in ClinVar:

ClinVar aggregate classification (germline): Uncertain significance. Review status: criteria provided, multiple submitters, no conflicts (2 of 4 stars). 3 submissions from 3 submitters: Uncertain significance (3). Last evaluated 2026-05-23.

Conditions:
Hereditary spherocytosis type 4. Also called: SLC4A1-Related Spherocytosis. Identifiers: Orphanet 822, MedGen C2675212, MONDO:0012981, OMIM 612653.
BLOOD GROUP, WALDNER (WD). Also called: WALDNER BLOOD GROUP ANTIGEN. Identifiers: MedGen C1862191, OMIM 112010.
Autosomal dominant distal renal tubular acidosis (DRTA1). Also called: RTA, CLASSIC TYPE; RTA, DISTAL TYPE, AUTOSOMAL DOMINANT; RTA, GRADIENT TYPE; Renal Tubular Acidosis, Type I; RENAL TUBULAR ACIDOSIS, DISTAL, 1. Identifiers: Orphanet 93608, MedGen CN280572, MONDO:0008368, OMIM 179800.
Southeast Asian ovalocytosis. Also called: Stomatocytic elliptocytosis, hereditary; Ovalocytosis, Malaysian-Melanesian-Filipino type; Elliptocytosis 4; HE, STOMATOCYTIC. Identifiers: Orphanet 98868, MedGen C1862322, MONDO:0008165, OMIM 166900.
BLOOD GROUP--DIEGO SYSTEM (DI). Identifiers: MedGen C1292286, OMIM 110500.
BLOOD GROUP--WRIGHT ANTIGEN (WR). Identifiers: MedGen C1862190, OMIM 112050.
BLOOD GROUP--FROESE (FR). Also called: FROESE BLOOD GROUP ANTIGEN. Identifiers: MedGen C1832168, OMIM 601551.
BLOOD GROUP--SWANN SYSTEM (SW). Also called: SWANN BLOOD GROUP. Identifiers: MedGen C1832169, OMIM 601550.
Malaria, susceptibility to. Identifiers: Orphanet 673, MedGen C1970028, MONDO:0021024, OMIM 611162.
Cryohydrocytosis. Also called: STOMATOCYTOSIS, COLD-SENSITIVE; Hereditary cryohydrocytosis with normal stomatin; CRYOHYDROCYTOSIS DUE TO BAND 3 HEMEL; CRYOHYDROCYTOSIS DUE TO BAND 3 HURSTPIERPOINT; CRYOHYDROCYTOSIS DUE TO BAND 3 BLACKBURN. Identifiers: Orphanet 398088, MedGen C1861453, MONDO:0008494, OMIM 185020.
Renal tubular acidosis, distal, 4, with hemolytic anemia. Also called: Renal Tubular Acidosis, Distal, with Hemolytic Anemia. Identifiers: Orphanet 93610, MedGen C5436235, MONDO:0012700, OMIM 611590.
Inborn genetic diseases. Identifiers: MedGen C0950123, MeSH D030342.

gnomAD v4.1: 10 of 1,614,010 alleles (0.00062%); highest among the groups gnomAD compares: Admixed American, 0.0017%; no homozygotes.

Submissions (3):

Ambry Genetics
Classification: Uncertain significance for Inborn genetic diseases. Last evaluated: 2026-05-23. Review status: criteria provided, single submitter. Criteria: Ambry Variant Classification Scheme 2023. Collection method: clinical testing. Allele origin: germline.

Labcorp Genetics (formerly Invitae), Labcorp
Classification: Uncertain significance. Last evaluated: 2025-01-15. Review status: criteria provided, single submitter. Criteria: Invitae Variant Classification Sherloc (09022015). Collection method: clinical testing. Allele origin: germline.
Comment: This sequence change replaces leucine, which is neutral and non-polar, with valine, which is neutral and non-polar, at codon 503 of the SLC4A1 protein (p.Leu503Val). This variant is present in population databases (no rsID available, gnomAD no frequency). This variant has not been reported in the literature in individuals affected with SLC4A1-related conditions. ClinVar contains an entry for this variant (Variation ID: 2421250). Invitae Evidence Modeling of protein sequence and biophysical properties (such as structural, functional, and spatial information, amino acid conservation, physicochemical variation, residue mobility, and thermodynamic stability) indicates that this missense variant is not expected to disrupt SLC4A1 protein function with a negative predictive value of 80%. In summary, the available evidence is currently insufficient to determine the role of this variant in disease. Therefore, it has been classified as a Variant of Uncertain Significance.

Fulgent Genetics
Classification: Uncertain significance for BLOOD GROUP--DIEGO SYSTEM; BLOOD GROUP, WALDNER; BLOOD GROUP--WRIGHT ANTIGEN; Southeast Asian ovalocytosis; Autosomal dominant distal renal tubular acidosis; Cryohydrocytosis; BLOOD GROUP--SWANN SYSTEM; BLOOD GROUP--FROESE; Malaria, susceptibility to; Renal tubular acidosis, distal, 4, with hemolytic anemia; Hereditary spherocytosis type 4. Last evaluated: 2024-02-28. Review status: criteria provided, single submitter. Criteria: ACMG Guidelines, 2015. Collection method: clinical testing. Allele origin: germline.

NM_000342.4(SLC4A1):c.1507T>G (p.Leu503Val)

Gene: SLC4A1 (solute carrier family 4 member 1 (Diego blood group); minus strand). Cytogenetic location: 17q21.31.
Variant type: single nucleotide variant.
Coding change: c.1507T>G on transcript NM_000342.4 (MANE Select); coding-DNA position 1507, T replaced by G.
Protein change: p.Leu503Val; replaces leucine 503 with valine.
Molecular consequence: missense variant.
Genome position (GRCh38, 1-based): chr17:44,257,469, A>C on the plus strand (T>G on the coding strand, the complement: SLC4A1 is on the minus strand). VCF-style: chr17-44257469-A-C. GRCh37 (hg19) VCF-style: chr17-42334837-A-C.
Other names: c.1507T>G (NM_000342.3); short protein forms L503V.
Identifiers: ClinVar variation 2421250 (VCV002421250.8), dbSNP rs759996988, ClinGen allele CA399785702.